The following is an entry in ClinVar:

ClinVar aggregate classification (germline): Uncertain significance. Review status: criteria provided, multiple submitters, no conflicts (2 of 4 stars). 2 submissions from 2 submitters: Uncertain significance (2). Last evaluated 2024-07-03.

Conditions:
Early-onset myopathy with fatal cardiomyopathy (CMYO5). Also called: Salih Myopathy; CONGENITAL MYOPATHY 5 WITH CARDIOMYOPATHY. Identifiers: Orphanet 289377, MedGen C2673677, MONDO:0012714, OMIM 611705. Disease mechanism: loss of function.
Hypertrophic cardiomyopathy 9. Also called: Familial hypertrophic cardiomyopathy 9. Identifiers: MedGen C1861065, MONDO:0013412, OMIM 613765.
Myopathy, myofibrillar, 9, with early respiratory failure (MFM9). Also called: Hereditary myopathy with early respiratory failure; EDSTROM MYOPATHY; MYOPATHY, PROXIMAL, WITH EARLY RESPIRATORY MUSCLE INVOLVEMENT; Myopathy, distal, with early respiratory failure, autosomal dominant. Identifiers: Orphanet 178464, Orphanet 34521, MedGen C1863599, MONDO:0011362, OMIM 603689.
Tibial muscular dystrophy (TMD). Also called: Tibial muscular dystrophy, tardive; UDD MYOPATHY; Udd Distal Myopathy – Tibial Muscular Dystrophy. Identifiers: Orphanet 609, MedGen C1838244, MONDO:0010870, OMIM 600334.
Dilated cardiomyopathy 1G (CMD1G). Identifiers: Orphanet 154, MedGen C1858763, MONDO:0011400, OMIM 604145.
Autosomal recessive limb-girdle muscular dystrophy type 2J (LGMDR10). Also called: Limb-girdle muscular dystrophy, type 2J; MUSCULAR DYSTROPHY, LIMB-GIRDLE, AUTOSOMAL RECESSIVE 10. Identifiers: Orphanet 140922, MedGen C1837342, MONDO:0012127, OMIM 608807.

Allele frequency attached by ClinVar (database versions not stated): TOPMed below 0.00001.
gnomAD v4.1: 2 of 1,613,998 alleles (0.00012%); no homozygotes.

Submissions (2):

Labcorp Genetics (formerly Invitae), Labcorp
Classification: Uncertain significance for Dilated cardiomyopathy 1G; Autosomal recessive limb-girdle muscular dystrophy type 2J. Last evaluated: 2024-07-03. Review status: criteria provided, single submitter. Criteria: Invitae Variant Classification Sherloc (09022015). Collection method: clinical testing. Allele origin: germline.
Comment: This sequence change replaces tyrosine, which is neutral and polar, with serine, which is neutral and polar, at codon 35062 of the TTN protein (p.Tyr35062Ser). This variant is not present in population databases (gnomAD no frequency). This variant has not been reported in the literature in individuals affected with TTN-related conditions. ClinVar contains an entry for this variant (Variation ID: 1465146). Experimental studies and prediction algorithms are not available or were not evaluated, and the functional significance of this variant is currently unknown. This variant is located in the M band of TTN (PMID: 25589632). Non-truncating variants in this region may be relevant for neuromuscular disorders, but have not been definitively shown to cause cardiomyopathy (PMID: 23975875). In summary, the available evidence is currently insufficient to determine the role of this variant in disease. Therefore, it has been classified as a Variant of Uncertain Significance.

Fulgent Genetics
Classification: Uncertain significance for Tibial muscular dystrophy; Myopathy, myofibrillar, 9, with early respiratory failure; Dilated cardiomyopathy 1G; Autosomal recessive limb-girdle muscular dystrophy type 2J; Early-onset myopathy with fatal cardiomyopathy; Hypertrophic cardiomyopathy 9. Last evaluated: 2021-09-27. Review status: criteria provided, single submitter. Criteria: ACMG Guidelines, 2015. Collection method: clinical testing. Allele origin: unknown.

Literature cited by the submitters: PubMed 25589632 (cited by Labcorp Genetics (formerly Invitae), Labcorp); PubMed 23975875 (cited by Labcorp Genetics (formerly Invitae), Labcorp).

NM_001267550.2(TTN):c.105185A>C (p.Tyr35062Ser)

Genes: TTN (titin; minus strand), TTN-AS1 (TTN antisense RNA 1; plus strand). Cytogenetic location: 2q31.2.
Variant type: single nucleotide variant.
Coding change: c.105185A>C on transcript NM_001267550.2 (MANE Select); coding-DNA position 105185, A replaced by C.
Protein change: p.Tyr35062Ser; replaces tyrosine 35062 with serine.
Molecular consequence: missense variant.
Genome position (GRCh38, 1-based): chr2:178,531,430, T>G on the plus strand (A>C on the coding strand, the complement: TTN is on the minus strand). VCF-style: chr2-178531430-T-G. GRCh37 (hg19) VCF-style: chr2-179396157-T-G.
Other names: c.100262A>C, p.Tyr33421Ser (NM_001256850.1); c.77990A>C, p.Tyr25997Ser (NM_003319.4); c.97481A>C, p.Tyr32494Ser (NM_133378.4); c.78365A>C, p.Tyr26122Ser (NM_133432.3); c.78566A>C, p.Tyr26189Ser (NM_133437.4); short protein forms Y32494S, Y26122S, Y26189S, Y35062S, Y33421S, Y25997S.
Identifiers: ClinVar variation 1465146 (VCV001465146.7), dbSNP rs1689071281, ClinGen allele CA349409313.